The following is an entry in ClinVar:

ClinVar aggregate classification (germline): Pathogenic (1 of 4 stars; one submission).

Conditions:
Hereditary insensitivity to pain with anhidrosis (CIPA). Also called: NEUROPATHY, CONGENITAL SENSORY, WITH ANHIDROSIS; hereditary sensory and autonomic neuropathy type 4; HSAN Type IV; INSENSITIVITY TO PAIN, CONGENITAL, WITH ANHIDROSIS; FAMILIAL DYSAUTONOMIA, TYPE II; NTRK1 Congenital Insensitivity to Pain with Anhidrosis. Identifiers: Orphanet 642, MedGen C0020074, MONDO:0009746, OMIM 256800.

Submission:

Labcorp Genetics (formerly Invitae), Labcorp
Classification: Pathogenic for Hereditary insensitivity to pain with anhidrosis. Last evaluated: 2023-02-16. Review status: criteria provided, single submitter. Criteria: Invitae Variant Classification Sherloc (09022015). Collection method: clinical testing. Allele origin: germline.
Comment: For these reasons, this variant has been classified as Pathogenic. This variant has not been reported in the literature in individuals affected with NTRK1-related conditions. This variant is not present in population databases (gnomAD no frequency). This sequence change creates a premature translational stop signal (p.Glu584*) in the NTRK1 gene. It is expected to result in an absent or disrupted protein product. Loss-of-function variants in NTRK1 are known to be pathogenic (PMID: 10982191).

Literature cited by the submitters: PubMed 10982191.

NM_002529.4(NTRK1):c.1767dup (p.Glu590Ter)

Gene: NTRK1 (neurotrophic receptor tyrosine kinase 1; plus strand). Cytogenetic location: 1q23.1.
Variant type: Duplication.
Coding change: c.1767dup on transcript NM_002529.4 (MANE Select); coding-DNA position 1767, one base duplicated (T; older notation c.1767dupT).
Protein change: p.Glu590Ter; replaces glutamic acid 590 with a stop codon.
Molecular consequence: nonsense. On other transcripts: frameshift variant (1).
Genome position (GRCh38, 1-based): chr1:156,876,534, T duplicated; the last of 3 consecutive T bases (chr1:156,876,532-156,876,534); duplicating any one gives the same sequence. VCF-style (leftmost placement, unchanged base first): chr1-156876531-C-CT. GRCh37 (hg19) VCF-style: chr1-156846323-C-CT.
Other names: c.1767dup, p.Glu590Terfs (NM_001007204.1); c.1659dup, p.Glu554Ter (NM_001007792.1); c.1749dup, p.Glu584Ter (NM_001012331.2); short protein forms E584*, E554*, E590*.
Identifiers: ClinVar variation 2790654 (VCV002790654.3), dbSNP rs2525644388, ClinGen allele CA2573937203.